The following is an entry in ClinVar:

ClinVar aggregate classification (germline): Uncertain significance (1 of 4 stars; one submission).

Conditions:
Developmental and epileptic encephalopathy. Identifiers: MedGen C5779964, MONDO:0100620.

Submission:

Labcorp Genetics (formerly Invitae), Labcorp
Classification: Uncertain significance for Early-infantile DEE. Last evaluated: 2022-08-03. Review status: criteria provided, single submitter. Criteria: Invitae Variant Classification Sherloc (09022015). Collection method: clinical testing. Allele origin: germline.
Comment: This variant results in a copy number gain of the genomic region encompassing exon(s) 1-7 of the HCN1 gene. This region includes the initiator codon of the gene. This copy number gain extends beyond the assayed region for this gene and therefore may encompass additional genes. As the precise location of this event is unknown, it may be in tandem or it may be located elsewhere in the genome. This variant has not been reported in the literature in individuals affected with HCN1-related conditions. A similar copy number variant has been observed in at least one individual who was not affected with HCN1-related conditions (Invitae). In summary, the available evidence is currently insufficient to determine the role of this variant in disease. Therefore, it has been classified as a Variant of Uncertain Significance.

NC_000005.9:g.(?_45267171)_(45696195_?)dup

Gene: HCN1 (hyperpolarization activated cyclic nucleotide gated potassium channel 1; minus strand). Cytogenetic location: 5p12.
Variant type: Duplication.
Identifiers: ClinVar variation 2426661 (VCV002426661.2).